The following is an entry in ClinVar:

NM_152564.5(VPS13B):c.9331-1G>T

Gene: VPS13B (vacuolar protein sorting 13 homolog B; plus strand). Cytogenetic location: 8q22.2.
Variant type: single nucleotide variant.
Coding change: c.9331-1G>T on transcript NM_152564.5 (MANE Select); the canonical splice acceptor site of the intron before coding-DNA position 9331, G replaced by T.
Molecular consequence: splice acceptor variant.
Genome position (GRCh38, 1-based): chr8:99,832,368, G>T. VCF-style: chr8-99832368-G-T. GRCh37 (hg19) VCF-style: chr8-100844596-G-T.
Other names: c.9331-1G>T (NM_152564.4); c.9406-1G>T (NM_017890.5).
Identifiers: ClinVar variation 56699 (VCV000056699.21), dbSNP rs386834119, ClinGen allele CA264152.

ClinVar aggregate classification (germline): Pathogenic. Review status: criteria provided, multiple submitters, no conflicts (2 of 4 stars). 8 submissions from 8 submitters: Pathogenic (5). 3 of the submissions do not count toward it. Last evaluated 2025-11-04.

Conditions:
VPS13B-related disorder. Also called: VPS13B-related condition.
Cohen syndrome (COH1). Also called: PEPPER SYNDROME; Cutis verticis gyrata, retinitis pigmentosa, and sensorineural deafness. Identifiers: Orphanet 193, MedGen C0265223, MONDO:0008999, OMIM 216550.

Allele frequency attached by ClinVar (database versions not stated): ExAC 0.04505.

Submissions (10):

Natera, Inc.
Classification: Pathogenic for Cohen syndrome. Last evaluated: 2025-11-04. Review status: criteria provided, single submitter. Criteria: Natera Variant Classification Schema (03/2026). Collection method: clinical testing. Allele origin: germline.
Comment: The c.9406-1G>T variant in VPS13B is a canonical splice acceptor site variant predicted to affect pre-mRNA splicing, which may result in an abnormal transcript and altered protein product. This variant is expected to result in nonsense mediated decay, truncation, or a dysfunctional protein product. This variant is rare in the general population with a frequency below the threshold expected for the associated phenotype(s). This variant has been observed in one or more individuals affected with the associated recessive disease, as either homozygous or compound heterozygous with a second variant (PMID: 15154116). Additionally, this variant has been observed to segregate in affected family members (PMID: 15154116). Functional studies show that this variant may disrupt protein function (PMID: 15154116). Given the available evidence, this variant is classified as Pathogenic.

Labcorp Genetics (formerly Invitae), Labcorp
Classification: Pathogenic for Cohen syndrome. Last evaluated: 2025-07-06. Review status: criteria provided, single submitter. Criteria: Invitae Variant Classification Sherloc (09022015). Collection method: clinical testing. Allele origin: germline.
Comment: This sequence change affects an acceptor splice site in intron 51 of the VPS13B gene. RNA analysis indicates that disruption of this splice site induces altered splicing and may result in an absent or altered protein product. This variant is not present in population databases (gnomAD no frequency). Disruption of this splice site has been observed in individuals with Cohen syndrome (PMID: 15154116, 19190672). ClinVar contains an entry for this variant (Variation ID: 56699). Studies have shown that disruption of this splice site results in activation of a cryptic splice site, and produces a non-functional protein and/or introduces a premature termination codon (PMID: 15154116). For these reasons, this variant has been classified as Pathogenic.

Blueprint Genetics
Classification: Pathogenic for VPS13B-related disorders. Last evaluated: 2024-05-30. Review status: criteria provided, single submitter. Criteria: ACMG Guidelines, 2015. Collection method: clinical testing. Allele origin: germline. Affected: yes. Observed: 5 variant alleles.

GeneDx
Classification: Pathogenic. Last evaluated: 2023-05-10. Review status: criteria provided, single submitter. Criteria: GeneDx Variant Classification Process June 2021. Collection method: clinical testing. Allele origin: germline. Affected: yes.
Comment: Observed in apparent homozygous state in patients with Cohen syndrome in the literature (Hennies 2004, Rauch 2006) and not observed in homozygous state in controls; Observed with another canonical splice variant in VPS13B, phase (cis or trans) unknown, in a patient with a personal history consistent with Cohen syndrome (El Chehadeh-Djebbar 2013); Canonical splice site variant predicted to result in a null allele in a gene for which loss of function is a known mechanism of disease; Not observed at significant frequency in large population cohorts (gnomAD); This variant is associated with the following publications: (PMID: 25060287, 19190672, 15154116, 24334764, 16917849, 31825161, 31589614, 29618732, 23188044)

Women's Health and Genetics/Laboratory Corporation of America, LabCorp
Classification: Pathogenic for Cohen syndrome. Last evaluated: 2018-10-01. Review status: criteria provided, single submitter. Criteria: LabCorp Variant Classification Summary - May 2015. Collection method: clinical testing. Allele origin: germline.
Comment: Variant summary: VPS13B c.9406-1G>T is located in a canonical splice-site and is predicted to affect mRNA splicing resulting in a significantly altered protein due to either exon skipping, shortening, or inclusion of intronic material. Several computational tools predict a significant impact on normal splicing: Four predict the variant abolishes a 3 acceptor site. Two predict the variant strengthens a cryptic 3 acceptor site in exon 52. These predictions were confirmed by at least one publication reporting experimental evidence that this variant affects mRNA splicing. Results showed that the variant lead to the deletion of 16 exonic bases and, thus, a frameshift in mRNA (Hennies 2004). The variant allele was not found in 57574 control chromosomes (gnomAD). c.9406-1G>T has been reported in the literature in multiple individuals affected with Cohen Syndrome in either homozygous or compound heterozygous state (Hennies 2004, Rauch 2006, Duplomb 2014) . These data indicate that the variant is very likely to be associated with disease. At least one publication reported experimental evidence evaluating an impact on protein function, and demonstrated a deficiency in Golgi N-glycosylation (Duplomb 2014). One clinical diagnostic laboratory has submitted clinical-significance assessments for this variant to ClinVar after 2014 without evidence for independent evaluation, and classified the variant as pathogenic. Based on the evidence outlined above, the variant was classified as pathogenic.

PreventionGenetics, part of Exact Sciences
Classification: Pathogenic for VPS13B-related condition. Last evaluated: 2024-07-22. Review status: no assertion criteria provided. Collection method: clinical testing. Allele origin: germline. Not counted in ClinVar's aggregate classification.
Comment: The VPS13B c.9331-1G>T variant is predicted to disrupt the AG splice acceptor site and interfere with normal splicing. This variant has been reported as causative for autosomal recessive Cohen syndrome (described as c.9406-1G>T, Hennies et al. 2004. PubMed ID: 15154116; described as IVS51-1G>T, El Chehadeh-Djebbar et al. 2012. PubMed ID: 23188044; Duplomb et al. 2013. PubMed ID: 24334764). Variants that disrupt the consensus splice acceptor site in VPS13B are expected to be pathogenic. This variant is interpreted as pathogenic.

Counsyl
Classification: Pathogenic for Cohen syndrome. Last evaluated: 2017-11-22. Review status: no assertion criteria provided. Collection method: clinical testing. Allele origin: unknown. Not counted in ClinVar's aggregate classification.

Dr. Peter K. Rogan Lab, Western University
No classification provided (evidence only). Condition: Familial cancer of breast. Review status: no classification provided. Collection method: in vitro. Allele origin: not applicable. Functional consequence: skipped exon. Not counted in ClinVar's aggregate classification.

Dr. Peter K. Rogan Lab, Western University
No classification provided (evidence only). Condition: Familial cancer of breast. Review status: no classification provided. Collection method: in vitro. Allele origin: not applicable. Functional consequence: skipped exon, retained intron. Not counted in ClinVar's aggregate classification.

Juha Muilu Group; Institute for Molecular Medicine Finland (FIMM)
Classification: Likely pathogenic for Cohen syndrome. Review status: no assertion criteria provided. Collection method: not provided. Allele origin: unknown. Not counted in ClinVar's aggregate classification.
Comment: FinDis database variant: This variant was not found or characterized by our laboratory, data were collected from public sources: see reference
ClinVar note: Converted during submission from probable-pathogenic to Likely pathogenic.

Literature cited by the submitters: PubMed 15154116 (cited by 4 submitters); PubMed 19190672 (cited by Labcorp Genetics (formerly Invitae), Labcorp); PubMed 24334764 (cited by Women's Health and Genetics/Laboratory Corporation of America, LabCorp); PubMed 16917849 (cited by Women's Health and Genetics/Laboratory Corporation of America, LabCorp and Counsyl); PubMed 23188044 (cited by Counsyl).